The following is an entry in ClinVar:

NM_000051.4(ATM):c.2959T>G (p.Cys987Gly)

Gene: ATM (ATM serine/threonine kinase; plus strand). Cytogenetic location: 11q22.3.
Variant type: single nucleotide variant.
Coding change: c.2959T>G on transcript NM_000051.4 (MANE Select); coding-DNA position 2959, T replaced by G.
Protein change: p.Cys987Gly; replaces cysteine 987 with glycine.
Molecular consequence: missense variant.
Genome position (GRCh38, 1-based): chr11:108,271,288, T>G. VCF-style: chr11-108271288-T-G. GRCh37 (hg19) VCF-style: chr11-108142015-T-G.
Other names: c.2959T>G, p.Cys987Gly (NM_001351834.2); short protein forms C987G.
Identifiers: ClinVar variation 660745 (VCV000660745.7), dbSNP rs1305059653, ClinGen allele CA382547215.

ClinVar aggregate classification (germline): Uncertain significance. Review status: criteria provided, multiple submitters, no conflicts (2 of 4 stars). 2 submissions from 2 submitters: Uncertain significance (2). Last evaluated 2025-02-24.

Conditions:
Ataxia-telangiectasia syndrome (AT). Also called: Ataxia-telangiectasia, complementation group D; AT, COMPLEMENTATION GROUP C; Ataxia telangiectasia (A-T); Cerebello-oculocutaneous telangiectasia; Immunodeficiency with ataxia telangiectasia; ATAXIA-TELANGIECTASIA, COMPLEMENTATION GROUP A. Identifiers: Orphanet 100, MedGen C0004135, MONDO:0008840, OMIM 208900.
Hereditary cancer-predisposing syndrome. Also called: Neoplastic Syndromes, Hereditary; Hereditary neoplastic syndrome; Tumor predisposition; Hereditary Cancer Syndrome. Identifiers: Orphanet 140162, MedGen C0027672, MeSH D009386, MONDO:0015356.

Submissions (2):

Ambry Genetics
Classification: Uncertain significance for Hereditary cancer-predisposing syndrome. Last evaluated: 2025-02-24. Review status: criteria provided, single submitter. Criteria: Ambry Variant Classification Scheme 2023. Collection method: clinical testing. Allele origin: germline.
Comment: The p.C987G variant (also known as c.2959T>G), located in coding exon 19 of the ATM gene, results from a T to G substitution at nucleotide position 2959. The cysteine at codon 987 is replaced by glycine, an amino acid with highly dissimilar properties. This amino acid position is conserved. In addition, this alteration is predicted to be deleterious by in silico analysis. Based on the available evidence, the clinical significance of this variant remains unclear.

Labcorp Genetics (formerly Invitae), Labcorp
Classification: Uncertain significance for Ataxia-telangiectasia syndrome. Last evaluated: 2022-03-08. Review status: criteria provided, single submitter. Criteria: Invitae Variant Classification Sherloc (09022015). Collection method: clinical testing. Allele origin: germline.
Comment: This sequence change replaces cysteine, which is neutral and slightly polar, with glycine, which is neutral and non-polar, at codon 987 of the ATM protein (p.Cys987Gly). In summary, the available evidence is currently insufficient to determine the role of this variant in disease. Therefore, it has been classified as a Variant of Uncertain Significance. Advanced modeling of protein sequence and biophysical properties (such as structural, functional, and spatial information, amino acid conservation, physicochemical variation, residue mobility, and thermodynamic stability) performed at Invitae indicates that this missense variant is not expected to disrupt ATM protein function. ClinVar contains an entry for this variant (Variation ID: 660745). This variant has not been reported in the literature in individuals affected with ATM-related conditions. This variant is not present in population databases (gnomAD no frequency).